The following is an entry in ClinVar:

NM_000094.4(COL7A1):c.3946C>T (p.Pro1316Ser)

Gene: COL7A1 (collagen type VII alpha 1 chain; minus strand). Cytogenetic location: 3p21.31.
Variant type: single nucleotide variant.
Coding change: c.3946C>T on transcript NM_000094.4 (MANE Select); coding-DNA position 3946, C replaced by T.
Protein change: p.Pro1316Ser; replaces proline 1316 with serine.
Molecular consequence: missense variant.
Genome position (GRCh38, 1-based): chr3:48,585,065, G>A on the plus strand (C>T on the coding strand, the complement: COL7A1 is on the minus strand). VCF-style: chr3-48585065-G-A. GRCh37 (hg19) VCF-style: chr3-48622498-G-A.
Other names: short protein forms P1316S.
Identifiers: ClinVar variation 2329769 (VCV002329769.4), dbSNP rs781520685, ClinGen allele CA2380319.

ClinVar aggregate classification (germline): Uncertain significance. Review status: criteria provided, multiple submitters, no conflicts (2 of 4 stars). 2 submissions from 2 submitters: Uncertain significance (2). Last evaluated 2025-06-04.

Conditions:
Inborn genetic diseases. Identifiers: MedGen C0950123, MeSH D030342.

Allele frequency attached by ClinVar (database versions not stated): TOPMed 0.00001; gnomAD exomes 0.00002; ExAC 0.00003; gnomAD 0.00002.
gnomAD v4.1: 14 of 1,612,568 alleles (0.00087%); highest among the groups gnomAD compares: Admixed American, 0.0017%; no homozygotes.

Submissions (2):

Ambry Genetics
Classification: Uncertain significance for Inborn genetic diseases. Last evaluated: 2025-06-04. Review status: criteria provided, single submitter. Criteria: Ambry Variant Classification Scheme 2023. Collection method: clinical testing. Allele origin: germline.

Labcorp Genetics (formerly Invitae), Labcorp
Classification: Uncertain significance. Last evaluated: 2024-06-25. Review status: criteria provided, single submitter. Criteria: Invitae Variant Classification Sherloc (09022015). Collection method: clinical testing. Allele origin: germline.
Comment: This sequence change replaces proline, which is neutral and non-polar, with serine, which is neutral and polar, at codon 1316 of the COL7A1 protein (p.Pro1316Ser). This variant is present in population databases (rs781520685, gnomAD 0.003%). This variant has not been reported in the literature in individuals affected with COL7A1-related conditions. ClinVar contains an entry for this variant (Variation ID: 2329769). Advanced modeling of protein sequence and biophysical properties (such as structural, functional, and spatial information, amino acid conservation, physicochemical variation, residue mobility, and thermodynamic stability) performed at Invitae indicates that this missense variant is not expected to disrupt COL7A1 protein function with a negative predictive value of 95%. In summary, the available evidence is currently insufficient to determine the role of this variant in disease. Therefore, it has been classified as a Variant of Uncertain Significance.